The following is an entry in ClinVar:

ClinVar aggregate classification (germline): Uncertain significance (1 of 4 stars; one submission).

Submission:

CeGaT Center for Human Genetics Tuebingen
Classification: Uncertain significance. Last evaluated: 2025-12-01. Review status: criteria provided, single submitter. Criteria: CeGaT Center For Human Genetics Tuebingen Variant Classification Criteria Version 2. Collection method: clinical testing. Allele origin: germline. Affected: yes. Observed: 1 variant allele.
Comment: TTN: PM2, BP4

NM_001267550.2(TTN):c.45127A>G (p.Ser15043Gly)

Genes: TTN (titin; minus strand), LOC126806427 (BRD4-independent group 4 enhancer GRCh37_chr2:179485777-179486976; plus strand). Cytogenetic location: 2q31.2.
Variant type: single nucleotide variant.
Coding change: c.45127A>G on transcript NM_001267550.2 (MANE Select); coding-DNA position 45127, A replaced by G.
Protein change: p.Ser15043Gly; replaces serine 15043 with glycine.
Molecular consequence: missense variant.
Genome position (GRCh38, 1-based): chr2:178,621,697, T>C on the plus strand (A>G on the coding strand, the complement: TTN is on the minus strand). VCF-style: chr2-178621697-T-C. GRCh37 (hg19) VCF-style: chr2-179486424-T-C.
Other names: c.40204A>G, p.Ser13402Gly (NM_001256850.1); c.17932A>G, p.Ser5978Gly (NM_003319.4); c.37423A>G, p.Ser12475Gly (NM_133378.4); c.18307A>G, p.Ser6103Gly (NM_133432.3); c.18508A>G, p.Ser6170Gly (NM_133437.4); short protein forms S12475G, S13402G, S15043G, S5978G, S6103G, S6170G.
Identifiers: ClinVar variation 4535409 (VCV004535409.6).
Genomic context (GRCh38, chr2:178,621,697, plus strand): 5'-AAATCACTTCTGCGCCAGGTTTGGAGACTTCACAAACCAGTTTTATAGTGTCTGTTTCAC[T>C]AACTTCAATGTTGGCAAGATTTTTGGTAAAGACAGCTTCTTCTTCTGCAAGCATTGAAAA-3'
Protein context (NP_001254479.2, residues 15033-15053): FTKNLANIEV[Ser15043Gly]ETDTIKLVCE